The following is an entry in ClinVar:

NM_000245.4(MET):c.809A>G (p.Asp270Gly)

Gene: MET (MET proto-oncogene, receptor tyrosine kinase; plus strand). Cytogenetic location: 7q31.2.
Variant type: single nucleotide variant.
Coding change: c.809A>G on transcript NM_000245.4 (MANE Select); coding-DNA position 809, A replaced by G.
Protein change: p.Asp270Gly; replaces aspartic acid 270 with glycine.
Molecular consequence: missense variant. On other transcripts: intron variant (1).
Genome position (GRCh38, 1-based): chr7:116,699,893, A>G. VCF-style: chr7-116699893-A-G. GRCh37 (hg19) VCF-style: chr7-116339947-A-G.
Other names: c.809A>G, p.Asp270Gly (NM_001127500.3, NM_001324401.3); c.-91+27316A>G (NM_001324402.2); short protein forms D270G.
Identifiers: ClinVar variation 1377220 (VCV001377220.11), dbSNP rs1791503359, ClinGen allele CA368969898.
Genomic context (GRCh38, chr7:116,699,893, plus strand): 5'-TCCATGCCTTTGAAAGCAACAATTTTATTTACTTCTTGACGGTCCAAAGGGAAACTCTAG[A>G]TGCTCAGACTTTTCACACAAGAATAATCAGGTTCTGTTCCATAAACTCTGGATTGCATTC-3'
Protein context (NP_000236.2, residues 260-280): YFLTVQRETL[Asp270Gly]AQTFHTRIIR

ClinVar aggregate classification (germline): Conflicting classifications of pathogenicity. Review status: criteria provided, conflicting classifications (1 of 4 stars). 2 submissions from 2 submitters: Uncertain significance (1); Likely benign (1). Last evaluated 2025-11-17.

Conditions:
Renal cell carcinoma. Identifiers: Orphanet 217071, MedGen C0007134, MeSH D002292, MONDO:0005086, HP:0005584.
Hereditary cancer-predisposing syndrome. Also called: Neoplastic Syndromes, Hereditary; Hereditary Cancer Syndrome; Tumor predisposition; Hereditary neoplastic syndrome. Identifiers: Orphanet 140162, MedGen C0027672, MeSH D009386, MONDO:0015356.

Allele frequency attached by ClinVar (database versions not stated): gnomAD exomes below 0.00001.

Submissions (2):

Labcorp Genetics (formerly Invitae), Labcorp
Classification: Uncertain significance for Renal cell carcinoma. Last evaluated: 2025-11-17. Review status: criteria provided, single submitter. Criteria: Invitae Variant Classification Sherloc (09022015). Collection method: clinical testing. Allele origin: germline.
Comment: This sequence change replaces aspartic acid, which is acidic and polar, with glycine, which is neutral and non-polar, at codon 270 of the MET protein (p.Asp270Gly). This variant is not present in population databases (gnomAD no frequency). This variant has not been reported in the literature in individuals affected with MET-related conditions. ClinVar contains an entry for this variant (Variation ID: 1377220). Invitae Evidence Modeling of protein sequence and biophysical properties (such as structural, functional, and spatial information, amino acid conservation, physicochemical variation, residue mobility, and thermodynamic stability) indicates that this missense variant is not expected to disrupt MET protein function with a negative predictive value of 80%. In summary, the available evidence is currently insufficient to determine the role of this variant in disease. Therefore, it has been classified as a Variant of Uncertain Significance.

Ambry Genetics
Classification: Likely benign for Hereditary cancer-predisposing syndrome. Last evaluated: 2025-04-02. Review status: criteria provided, single submitter. Criteria: Ambry Variant Classification Scheme 2023. Collection method: clinical testing. Allele origin: germline.